The following is an entry in ClinVar:

ClinVar aggregate classification (germline): Uncertain significance (1 of 4 stars; one submission).

Conditions:
Cardiovascular phenotype. Identifiers: MedGen CN230736.

Submission:

Ambry Genetics
Classification: Uncertain significance for Cardiovascular phenotype. Last evaluated: 2025-01-16. Review status: criteria provided, single submitter. Criteria: Ambry Variant Classification Scheme 2023. Collection method: clinical testing. Allele origin: germline.
Comment: The p.L705V variant (also known as c.2113C>G), located in coding exon 12 of the EPHB4 gene, results from a C to G substitution at nucleotide position 2113. The leucine at codon 705 is replaced by valine, an amino acid with highly similar properties. This amino acid position is conserved. In addition, this alteration is predicted to be deleterious by in silico analysis. Based on the available evidence, the clinical significance of this variant remains unclear.

NM_004444.5(EPHB4):c.2113C>G (p.Leu705Val)

Gene: EPHB4 (EPH receptor B4; minus strand). Cytogenetic location: 7q22.1.
Variant type: single nucleotide variant.
Coding change: c.2113C>G on transcript NM_004444.5 (MANE Select); coding-DNA position 2113, C replaced by G.
Protein change: p.Leu705Val; replaces leucine 705 with valine.
Molecular consequence: missense variant.
Genome position (GRCh38, 1-based): chr7:100,812,752, G>C on the plus strand (C>G on the coding strand, the complement: EPHB4 is on the minus strand). VCF-style: chr7-100812752-G-C. GRCh37 (hg19) VCF-style: chr7-100410374-G-C.
Other names: short protein forms L705V.
Identifiers: ClinVar variation 3845469 (VCV003845469.1).